The following is an entry in ClinVar:

NM_032043.3(BRIP1):c.1969G>T (p.Gly657Cys)

Gene: BRIP1 (BRCA1 interacting DNA helicase 1; minus strand). Cytogenetic location: 17q23.2.
Variant type: single nucleotide variant.
Coding change: c.1969G>T on transcript NM_032043.3 (MANE Select); coding-DNA position 1969, G replaced by T.
Protein change: p.Gly657Cys; replaces glycine 657 with cysteine.
Molecular consequence: missense variant.
Genome position (GRCh38, 1-based): chr17:61,776,529, C>A on the plus strand (G>T on the coding strand, the complement: BRIP1 is on the minus strand). VCF-style: chr17-61776529-C-A. GRCh37 (hg19) VCF-style: chr17-59853890-C-A.
Other names: short protein forms G657C.
Identifiers: ClinVar variation 1783570 (VCV001783570.7), dbSNP rs1051619247, ClinGen allele CA400478526.

ClinVar aggregate classification (germline): Uncertain significance. Review status: criteria provided, multiple submitters, no conflicts (2 of 4 stars). 2 submissions from 2 submitters: Uncertain significance (2). Last evaluated 2022-05-18.

Conditions:
Hereditary cancer-predisposing syndrome. Also called: Tumor predisposition; Neoplastic Syndromes, Hereditary; Hereditary Cancer Syndrome; Hereditary neoplastic syndrome. Identifiers: Orphanet 140162, MedGen C0027672, MeSH D009386, MONDO:0015356.
Fanconi anemia complementation group J. Also called: BRIP1-Related Fanconi Anemia. Identifiers: Orphanet 84, MedGen C1836860, MONDO:0012187, OMIM 609054.
Familial cancer of breast. Also called: BREAST CANCER, FAMILIAL; Hereditary breast cancer; hereditary breast carcinoma. Identifiers: Orphanet 227535, MedGen C0346153, MONDO:0016419, OMIM 114480. Disease mechanism: loss of function.

Submissions (2):

Labcorp Genetics (formerly Invitae), Labcorp
Classification: Uncertain significance for Familial cancer of breast; Fanconi anemia complementation group J. Last evaluated: 2022-05-18. Review status: criteria provided, single submitter. Criteria: Invitae Variant Classification Sherloc (09022015). Collection method: clinical testing. Allele origin: germline.
Comment: This sequence change replaces glycine, which is neutral and non-polar, with cysteine, which is neutral and slightly polar, at codon 657 of the BRIP1 protein (p.Gly657Cys). This variant is not present in population databases (gnomAD no frequency). This variant has not been reported in the literature in individuals affected with BRIP1-related conditions. Algorithms developed to predict the effect of missense changes on protein structure and function are either unavailable or do not agree on the potential impact of this missense change (SIFT: "Deleterious"; PolyPhen-2: "Probably Damaging"; Align-GVGD: "Class C0"). In summary, the available evidence is currently insufficient to determine the role of this variant in disease. Therefore, it has been classified as a Variant of Uncertain Significance.

Ambry Genetics
Classification: Uncertain significance for Hereditary cancer-predisposing syndrome. Last evaluated: 2021-08-05. Review status: criteria provided, single submitter. Criteria: Ambry Variant Classification Scheme 2023. Collection method: clinical testing. Allele origin: germline.
Comment: The p.G657C variant (also known as c.1969G>T), located in coding exon 13 of the BRIP1 gene, results from a G to T substitution at nucleotide position 1969. The glycine at codon 657 is replaced by cysteine, an amino acid with highly dissimilar properties. This amino acid position is highly conserved in available vertebrate species. In addition, this alteration is predicted to be deleterious by in silico analysis. Since supporting evidence is limited at this time, the clinical significance of this alteration remains unclear.